The following is an entry in ClinVar:

ClinVar aggregate classification (germline): Uncertain significance (1 of 4 stars; one submission).

Conditions:
Dilated cardiomyopathy 1G (CMD1G). Identifiers: Orphanet 154, MedGen C1858763, MONDO:0011400, OMIM 604145.
Autosomal recessive limb-girdle muscular dystrophy type 2J (LGMDR10). Also called: Limb-girdle muscular dystrophy, type 2J; MUSCULAR DYSTROPHY, LIMB-GIRDLE, AUTOSOMAL RECESSIVE 10. Identifiers: Orphanet 140922, MedGen C1837342, MONDO:0012127, OMIM 608807.

Submission:

Labcorp Genetics (formerly Invitae), Labcorp
Classification: Uncertain significance for Dilated cardiomyopathy 1G; Autosomal recessive limb-girdle muscular dystrophy type 2J. Last evaluated: 2023-08-30. Review status: criteria provided, single submitter. Criteria: Invitae Variant Classification Sherloc (09022015). Collection method: clinical testing. Allele origin: germline.
Comment: Experimental studies and prediction algorithms are not available or were not evaluated, and the functional significance of this variant is currently unknown. In summary, the available evidence is currently insufficient to determine the role of this variant in disease. Therefore, it has been classified as a Variant of Uncertain Significance. This variant has not been reported in the literature in individuals affected with TTN-related conditions. This variant is not present in population databases (gnomAD no frequency). This sequence change replaces asparagine, which is neutral and polar, with aspartic acid, which is acidic and polar, at codon 35371 of the TTN protein (p.Asn35371Asp).

NM_001267550.2(TTN):c.106111A>G (p.Asn35371Asp)

Genes: TTN-AS1 (TTN antisense RNA 1; plus strand), TTN (titin; minus strand), LOC129935182 (ATAC-STARR-seq lymphoblastoid active region 16807; plus strand). Cytogenetic location: 2q31.2.
Variant type: single nucleotide variant.
Coding change: c.106111A>G on transcript NM_001267550.2 (MANE Select); coding-DNA position 106111, A replaced by G.
Protein change: p.Asn35371Asp; replaces asparagine 35371 with aspartic acid.
Molecular consequence: missense variant.
Genome position (GRCh38, 1-based): chr2:178,530,504, T>C on the plus strand (A>G on the coding strand, the complement: TTN is on the minus strand). VCF-style: chr2-178530504-T-C. GRCh37 (hg19) VCF-style: chr2-179395231-T-C.
Other names: c.79291A>G, p.Asn26431Asp (NM_133432.3); c.79492A>G, p.Asn26498Asp (NM_133437.4); c.101188A>G, p.Asn33730Asp (NM_001256850.1); c.78916A>G, p.Asn26306Asp (NM_003319.4); c.98407A>G, p.Asn32803Asp (NM_133378.4); short protein forms N26431D, N35371D, N26306D, N26498D, N32803D, N33730D.
Identifiers: ClinVar variation 2945193 (VCV002945193.3), dbSNP rs2468372081, ClinGen allele CA349407013.
Genomic context (GRCh38, chr2:178,530,504, plus strand): 5'-CTGATATTTTTGATACCTTCTCATGGATACTCTTAAAGGCTTGCCCCATAAATTGTAAGT[T>C]GGTTTTAGACGTTCCACCTTCACCAGAAATCTCACAAACATATTCTCCTTGATCAGATTC-3'
Protein context (NP_001254479.2, residues 35361-35381): ISGEGGTSKT[Asn35371Asp]LQFMGQAFKS